The following is an entry in ClinVar:

NM_001042492.3(NF1):c.2132G>C (p.Arg711Pro)

Gene: NF1 (neurofibromin 1; plus strand). Cytogenetic location: 17q11.2.
Variant type: single nucleotide variant.
Coding change: c.2132G>C on transcript NM_001042492.3 (MANE Select); coding-DNA position 2132, G replaced by C.
Protein change: p.Arg711Pro; replaces arginine 711 with proline.
Molecular consequence: missense variant.
Genome position (GRCh38, 1-based): chr17:31,226,565, G>C. VCF-style: chr17-31226565-G-C. GRCh37 (hg19) VCF-style: chr17-29553583-G-C.
Other names: c.2132G>C, p.Arg711Pro (NM_000267.4); short protein forms R711P.
Identifiers: ClinVar variation 1038014 (VCV001038014.5), dbSNP rs1479669686, ClinGen allele CA398982327.

ClinVar aggregate classification (germline): Uncertain significance (1 of 4 stars; one submission).

Conditions:
Neurofibromatosis, type 1 (NF1). Also called: NEUROFIBROMATOSIS, TYPE I, SOMATIC; VON RECKLINGHAUSEN DISEASE; Peripheral type neurofibromatosis; Neurofibromatosis, type I. Identifiers: Orphanet 636, MedGen C0027831, MONDO:0018975, OMIM 162200. Disease mechanism: loss of function.

Submission:

Labcorp Genetics (formerly Invitae), Labcorp
Classification: Uncertain significance for Neurofibromatosis, type 1. Last evaluated: 2020-01-30. Review status: criteria provided, single submitter. Criteria: Invitae Variant Classification Sherloc (09022015). Collection method: clinical testing. Allele origin: germline.
Comment: This variant is not present in population databases (ExAC no frequency). This sequence change replaces arginine with proline at codon 711 of the NF1 protein (p.Arg711Pro). The arginine residue is moderately conserved and there is a moderate physicochemical difference between arginine and proline. This variant has not been reported in the literature in individuals with NF1-related conditions. In summary, the available evidence is currently insufficient to determine the role of this variant in disease. Therefore, it has been classified as a Variant of Uncertain Significance. Algorithms developed to predict the effect of missense changes on protein structure and function are either unavailable or do not agree on the potential impact of this missense change (SIFT: "Deleterious"; PolyPhen-2: "Possibly Damaging"; Align-GVGD: "Class C0").